The following is an entry in ClinVar:

ClinVar aggregate classification (germline): Uncertain significance. Review status: criteria provided, multiple submitters, no conflicts (2 of 4 stars). 2 submissions from 2 submitters: Uncertain significance (2). Last evaluated 2025-09-25.

Conditions:
Inborn genetic diseases. Identifiers: MedGen C0950123, MeSH D030342.

Submissions (2):

Ambry Genetics
Classification: Uncertain significance for Inborn genetic diseases. Last evaluated: 2025-09-25. Review status: criteria provided, single submitter. Criteria: Ambry Variant Classification Scheme 2023. Collection method: clinical testing. Allele origin: germline.

Labcorp Genetics (formerly Invitae), Labcorp
Classification: Uncertain significance. Last evaluated: 2024-06-11. Review status: criteria provided, single submitter. Criteria: Invitae Variant Classification Sherloc (09022015). Collection method: clinical testing. Allele origin: germline.
Comment: This sequence change replaces glycine, which is neutral and non-polar, with glutamic acid, which is acidic and polar, at codon 477 of the ACAN protein (p.Gly477Glu). This variant is not present in population databases (gnomAD no frequency). This variant has not been reported in the literature in individuals affected with ACAN-related conditions. Experimental studies and prediction algorithms are not available or were not evaluated, and the functional significance of this variant is currently unknown. In summary, the available evidence is currently insufficient to determine the role of this variant in disease. Therefore, it has been classified as a Variant of Uncertain Significance.

NM_001369268.1(ACAN):c.1430G>A (p.Gly477Glu)

Gene: ACAN (aggrecan; plus strand). Cytogenetic location: 15q26.1.
Variant type: single nucleotide variant.
Coding change: c.1430G>A on transcript NM_001369268.1 (MANE Select); coding-DNA position 1430, G replaced by A.
Protein change: p.Gly477Glu; replaces glycine 477 with glutamic acid.
Molecular consequence: missense variant.
Genome position (GRCh38, 1-based): chr15:88,847,243, G>A. VCF-style: chr15-88847243-G-A. GRCh37 (hg19) VCF-style: chr15-89390474-G-A.
Other names: c.1430G>A, p.Gly477Glu (NM_001411097.1, NM_013227.4, NM_001135.4 and 1 more transcripts); c.1430G>A (NM_013227.3); short protein forms G477E.
Identifiers: ClinVar variation 3622968 (VCV003622968.3).
Genomic context (GRCh38, chr15:88,847,243, plus strand): 5'-AGCCTTGGAAGCTGCACACCGTGGGTCCCTGAACCTGACCGCTCCCTCCTCCCCACCCAG[G>A]GGTCGTCTTCCACTACCGCCCGGGACCCACCCGCTACTCGCTGACCTTTGAGGAGGCACA-3'
Protein context (NP_001356197.1, residues 467-487): AVPGQPHLPG[Gly477Glu]VVFHYRPGPT